The following is an entry in ClinVar:

NM_000038.6(APC):c.6292A>G (p.Asn2098Asp)

Gene: APC (APC regulator of Wnt signaling pathway; plus strand). Cytogenetic location: 5q22.2.
Variant type: single nucleotide variant.
Coding change: c.6292A>G on transcript NM_000038.6 (MANE Select); coding-DNA position 6292, A replaced by G.
Protein change: p.Asn2098Asp; replaces asparagine 2098 with aspartic acid.
Molecular consequence: missense variant. On other transcripts: non-coding transcript variant (2).
Genome position (GRCh38, 1-based): chr5:112,841,886, A>G. VCF-style: chr5-112841886-A-G. GRCh37 (hg19) VCF-style: chr5-112177583-A-G.
Other names: c.5140A>G, p.Asn1714Asp (NM_001407472.1, NM_001407471.1); c.6292A>G, p.Asn2098Asp (NM_001127510.3, NM_001354895.2, NM_001407450.1); c.6238A>G, p.Asn2080Asp (NM_001127511.3); c.6346A>G, p.Asn2116Asp (NM_001354896.2, NM_001407447.1, NM_001407448.1 and 1 more transcripts); c.6322A>G, p.Asn2108Asp (NM_001354897.2); c.6217A>G, p.Asn2073Asp (NM_001354898.2); c.6208A>G, p.Asn2070Asp (NM_001354899.2); c.6169A>G, p.Asn2057Asp (NM_001354900.2); and 11 more; short protein forms N2073D, N1714D, N1815D, N1972D, N1997D, N1938D, N2015D, N2057D.
Identifiers: ClinVar variation 3411746 (VCV003411746.1).

ClinVar aggregate classification (germline): Uncertain significance (1 of 4 stars; one submission).

Conditions:
Hereditary cancer-predisposing syndrome. Also called: Neoplastic Syndromes, Hereditary; Tumor predisposition; Hereditary Cancer Syndrome; Hereditary neoplastic syndrome. Identifiers: Orphanet 140162, MedGen C0027672, MeSH D009386, MONDO:0015356.

gnomAD v4.1: 3 of 1,613,990 alleles (0.00019%); highest among the groups gnomAD compares: Non-Finnish European, 0.00025%; no homozygotes.

Submission:

Ambry Genetics
Classification: Uncertain significance for Hereditary cancer-predisposing syndrome. Last evaluated: 2024-10-14. Review status: criteria provided, single submitter. Criteria: Ambry Variant Classification Scheme 2023. Collection method: clinical testing. Allele origin: germline.
Comment: The p.N2098D variant (also known as c.6292A>G), located in coding exon 15 of the APC gene, results from an A to G substitution at nucleotide position 6292. The asparagine at codon 2098 is replaced by aspartic acid, an amino acid with highly similar properties. This amino acid position is conserved. In addition, in silico predictors for this gene do not accurately predict pathogenicity. Based on the available evidence, the clinical significance of this variant remains unclear.